The following is an entry in ClinVar:

ClinVar aggregate classification (germline): Benign. Review status: criteria provided, multiple submitters, no conflicts (2 of 4 stars). 4 submissions from 4 submitters: Benign (3). 1 of the submissions does not count toward it. Last evaluated 2021-06-09.

Conditions:
SHROOM3-related disorder. Also called: SHROOM3-related condition.

Allele frequency attached by ClinVar (database versions not stated): 1000 Genomes Project 30x 0.37773; 1000 Genomes Project 0.38059; ESP Exome Variant Server 0.40429; gnomAD exomes 0.42434 and 0.45155; TOPMed 0.42948; gnomAD 0.43037 and 0.43458; ExAC 0.53592.
gnomAD v4.1: 706,067 of 1,572,822 alleles (45%); highest among the groups gnomAD compares: Non-Finnish European, 47%; 160,314 homozygotes.

Submissions (4):

GeneDx
Classification: Benign. Last evaluated: 2021-06-09. Review status: criteria provided, single submitter. Criteria: GeneDx Variant Classification Process June 2021. Collection method: clinical testing. Allele origin: germline. Affected: yes.

Laboratory for Molecular Medicine, Mass General Brigham Personalized Medicine
Classification: Benign. Last evaluated: 2016-03-29. Review status: criteria provided, single submitter. Criteria: LMM Criteria. Collection method: clinical testing. Allele origin: germline.
Comment: Variant identified in a genome or exome case(s) and assessed due to predicted null impact of the variant or pathogenic assertions in the literature or databases. Disclaimer: This variant has not undergone full assessment. The following are preliminary notes: Frequency

Breakthrough Genomics
Classification: Benign. Review status: criteria provided, single submitter. Criteria: ACMG Guidelines, 2015. Collection method: not provided. Allele origin: germline. Inheritance: Unknown mechanism. Affected: yes.

PreventionGenetics, part of Exact Sciences
Classification: Benign for SHROOM3-related condition. Last evaluated: 2019-10-21. Review status: no assertion criteria provided. Collection method: clinical testing. Allele origin: germline. Not counted in ClinVar's aggregate classification.
Comment: This variant is classified as benign based on ACMG/AMP sequence variant interpretation guidelines (Richards et al. 2015 PMID: 25741868, with internal and published modifications).

NM_020859.4(SHROOM3):c.2983C>T (p.Leu995=)

Genes: SHROOM3 (shroom family member 3; plus strand), SHROOM3-AS1 (SHROOM3 antisense RNA 1; minus strand). Cytogenetic location: 4q21.1.
Variant type: single nucleotide variant.
Coding change: c.2983C>T on transcript NM_020859.4 (MANE Select); coding-DNA position 2983, C replaced by T.
Protein change: p.Leu995=; no amino-acid change (leucine 995 retained).
Molecular consequence: synonymous variant.
Genome position (GRCh38, 1-based): chr4:76,741,156, C>T. VCF-style: chr4-76741156-C-T. GRCh37 (hg19) VCF-style: chr4-77662309-C-T.
Identifiers: ClinVar variation 403441 (VCV000403441.10), dbSNP rs344143, ClinGen allele CA2972680.